The following is an entry in ClinVar:

ClinVar aggregate classification (germline): Uncertain significance (1 of 4 stars; one submission).

Conditions:
Neuronopathy, distal hereditary motor, type 7A. Also called: HARPER-YOUNG MYOPATHY; HMN VIIA; Neuronopathy, distal hereditary motor, type viia; NEURONOPATHY, DISTAL HEREDITARY MOTOR, HARDING TYPE VIIA; NEUROPATHY, DISTAL HEREDITARY MOTOR, HARDING TYPE VIIA; Neuronopathy, distal hereditary motor, autosomal dominant 7. Identifiers: Orphanet 139589, MedGen C1834703, MONDO:0008024, OMIM 158580.
Congenital myasthenic syndrome 20. Also called: Myasthenic syndrome, congenital, 20, presynaptic. Identifiers: MedGen C4310694, MONDO:0014939, OMIM 617143.

Allele frequency attached by ClinVar (database versions not stated): gnomAD 0.00001; gnomAD exomes 0.00001; TOPMed 0.00001.
gnomAD v4.1: 4 of 1,612,550 alleles (0.00025%); highest among the groups gnomAD compares: Non-Finnish European, 0.00034%; no homozygotes.

Submission:

Labcorp Genetics (formerly Invitae), Labcorp
Classification: Uncertain significance for Neuronopathy, distal hereditary motor, type 7A; Congenital myasthenic syndrome 20. Last evaluated: 2021-08-14. Review status: criteria provided, single submitter. Criteria: Invitae Variant Classification Sherloc (09022015). Collection method: clinical testing. Allele origin: germline.
Comment: In summary, the available evidence is currently insufficient to determine the role of this variant in disease. Therefore, it has been classified as a Variant of Uncertain Significance. Algorithms developed to predict the effect of missense changes on protein structure and function are either unavailable or do not agree on the potential impact of this missense change (SIFT: "Deleterious"; PolyPhen-2: "Possibly Damaging"; Align-GVGD: "Class C0"). This variant has not been reported in the literature in individuals affected with SLC5A7-related conditions. This variant is not present in population databases (ExAC no frequency). This sequence change replaces valine with methionine at codon 5 of the SLC5A7 protein (p.Val5Met). The valine residue is moderately conserved and there is a small physicochemical difference between valine and methionine.

NM_021815.5(SLC5A7):c.13G>A (p.Val5Met)

Gene: SLC5A7 (solute carrier family 5 member 7; plus strand). Cytogenetic location: 2q12.3.
Variant type: single nucleotide variant.
Coding change: c.13G>A on transcript NM_021815.5 (MANE Select); coding-DNA position 13, G replaced by A.
Protein change: p.Val5Met; replaces valine 5 with methionine.
Molecular consequence: missense variant. On other transcripts: 5 prime UTR variant (1), intron variant (1).
Genome position (GRCh38, 1-based): chr2:107,988,168, G>A. VCF-style: chr2-107988168-G-A. GRCh37 (hg19) VCF-style: chr2-108604624-G-A.
Other names: c.13G>A, p.Val5Met (NM_001305005.3); c.-692G>A (NM_001305007.3); c.-138+1405G>A (NM_001305006.3); short protein forms V5M.
Identifiers: ClinVar variation 1406886 (VCV001406886.6), dbSNP rs759997671, ClinGen allele CA53407761.